The following is an entry in ClinVar:

NM_006208.3(ENPP1):c.1565T>G (p.Leu522Trp)

Gene: ENPP1 (ectonucleotide pyrophosphatase/phosphodiesterase 1; plus strand). Cytogenetic location: 6q23.2.
Variant type: single nucleotide variant.
Coding change: c.1565T>G on transcript NM_006208.3 (MANE Select); coding-DNA position 1565, T replaced by G.
Protein change: p.Leu522Trp; replaces leucine 522 with tryptophan.
Molecular consequence: missense variant.
Genome position (GRCh38, 1-based): chr6:131,873,050, T>G. VCF-style: chr6-131873050-T-G. GRCh37 (hg19) VCF-style: chr6-132194190-T-G.
Other names: short protein forms L522W.
Identifiers: ClinVar variation 2697173 (VCV002697173.3), dbSNP rs2483504608, ClinGen allele CA365677176.

ClinVar aggregate classification (germline): Uncertain significance (1 of 4 stars; one submission).

Submission:

Labcorp Genetics (formerly Invitae), Labcorp
Classification: Uncertain significance. Last evaluated: 2023-11-25. Review status: criteria provided, single submitter. Criteria: Invitae Variant Classification Sherloc (09022015). Collection method: clinical testing. Allele origin: germline.
Comment: This sequence change replaces leucine, which is neutral and non-polar, with tryptophan, which is neutral and slightly polar, at codon 522 of the ENPP1 protein (p.Leu522Trp). This variant is not present in population databases (gnomAD no frequency). This variant has not been reported in the literature in individuals affected with ENPP1-related conditions. An algorithm developed to predict the effect of missense changes on protein structure and function (PolyPhen-2) suggests that this variant is likely to be disruptive. In summary, the available evidence is currently insufficient to determine the role of this variant in disease. Therefore, it has been classified as a Variant of Uncertain Significance.